The following is an entry in ClinVar:

NM_178857.6(RP1L1):c.428C>A (p.Ser143Tyr)

Gene: RP1L1 (RP1 like 1). Cytogenetic location: 8p23.1.
Variant type: single nucleotide variant.
Coding change: c.428C>A on transcript NM_178857.6 (MANE Select); coding-DNA position 428, C replaced by A.
Protein change: p.Ser143Tyr; replaces serine 143 with tyrosine.
Molecular consequence: missense variant.
Genome position (GRCh38, 1-based): chr8:10,622,774, G>T on the plus strand (C>A on the coding strand, the complement: RP1L1 is on the minus strand). VCF-style: chr8-10622774-G-T. GRCh37 (hg19) VCF-style: chr8-10480284-G-T.
Other names: short protein forms S143Y.
Identifiers: ClinVar variation 1445832 (VCV001445832.6), dbSNP rs774003548, ClinGen allele CA370300192.
Genomic context (GRCh38, chr8:10,622,774, plus strand): 5'-CGAGGGTCCATGTTCTTAATCAGCAGTATCCTCCGGGGGGTTTTAAGACTCTTCCGGGAG[G>T]AGGAGGTGCCTGGGGCTTCACGCTGGCCTTCGACATCCCGCAACTGCTGAGCAGTGGGGT-3'
Protein context (NP_849188.4, residues 133-153): EGQREAPGTS[Ser143Tyr]SRKSLKTPRR

ClinVar aggregate classification (germline): Uncertain significance (1 of 4 stars; one submission).

Submission:

Labcorp Genetics (formerly Invitae), Labcorp
Classification: Uncertain significance. Last evaluated: 2025-09-08. Review status: criteria provided, single submitter. Criteria: Invitae Variant Classification Sherloc (09022015). Collection method: clinical testing. Allele origin: germline.
Comment: This sequence change replaces serine, which is neutral and polar, with tyrosine, which is neutral and polar, at codon 143 of the RP1L1 protein (p.Ser143Tyr). This variant is not present in population databases (gnomAD no frequency). This variant has not been reported in the literature in individuals affected with RP1L1-related conditions. ClinVar contains an entry for this variant (Variation ID: 1445832). Invitae Evidence Modeling of protein sequence and biophysical properties (such as structural, functional, and spatial information, amino acid conservation, physicochemical variation, residue mobility, and thermodynamic stability) indicates that this missense variant is not expected to disrupt RP1L1 protein function with a negative predictive value of 80%. In summary, the available evidence is currently insufficient to determine the role of this variant in disease. Therefore, it has been classified as a Variant of Uncertain Significance.